The following is an entry in ClinVar:

NM_003659.4(AGPS):c.*2091T>C

Gene: AGPS (alkylglycerone phosphate synthase; plus strand). Cytogenetic location: 2q31.2.
Variant type: single nucleotide variant.
Coding change: c.*2091T>C on transcript NM_003659.4 (MANE Select); 2091 bases downstream of the stop codon, T replaced by C.
Molecular consequence: 3 prime UTR variant.
Genome position (GRCh38, 1-based): chr2:177,540,286, T>C. VCF-style: chr2-177540286-T-C. GRCh37 (hg19) VCF-style: chr2-178405014-T-C.
Identifiers: ClinVar variation 332568 (VCV000332568.5), dbSNP rs16865338, ClinGen allele CA10611969.

ClinVar aggregate classification (germline): Benign (1 of 4 stars; one submission).

Conditions:
Rhizomelic chondrodysplasia punctata type 3 (RCDP3). Also called: ALKYLDIHYDROXYACETONEPHOSPHATE SYNTHASE DEFICIENCY; Alkylglycerone Phosphate Synthase (AGPS) deficiency. Identifiers: Orphanet 177, Orphanet 309803, MedGen C1838612, MONDO:0010823, OMIM 600121. Disease mechanism: loss of function.

Allele frequency attached by ClinVar (database versions not stated): gnomAD 0.00368 and 0.00398; TOPMed 0.00440; 1000 Genomes Project 30x 0.00890; 1000 Genomes Project 0.00978.

Submission:

Illumina Laboratory Services, Illumina
Classification: Benign for Rhizomelic chondrodysplasia punctata type 3. Last evaluated: 2018-01-13. Review status: criteria provided, single submitter. Criteria: ICSL Variant Classification Criteria 13 December 2019. Collection method: clinical testing. Allele origin: germline.
Comment: This variant was observed in the ICSL laboratory as part of a predisposition screen in an ostensibly healthy population. It had not been previously curated by ICSL or reported in the Human Gene Mutation Database (HGMD: prior to June 1st, 2018), and was therefore a candidate for classification through an automated scoring system. Utilizing variant allele frequency, disease prevalence and penetrance estimates, and inheritance mode, an automated score was calculated to assess if this variant is too frequent to cause the disease. Based on the score and internal cut-off values, a variant classified as benign is not then subjected to further curation. The score for this variant resulted in a classification of benign for this disease.